The following is an entry in ClinVar:

ClinVar aggregate classification (germline): Conflicting classifications of pathogenicity. Review status: criteria provided, conflicting classifications (1 of 4 stars). 3 submissions from 3 submitters: Uncertain significance (1); Likely benign (2). Last evaluated 2025-12-03.

Conditions:
ABCC2-related disorder. Also called: ABCC2-related condition.

Allele frequency attached by ClinVar (database versions not stated): TOPMed 0.00011.
gnomAD v4.1: 82 of 1,613,880 alleles (0.0051%); highest among the groups gnomAD compares: Admixed American, 0.0083%; no homozygotes.

Submissions (3):

PreventionGenetics, part of Exact Sciences
Classification: Likely benign for ABCC2-related condition. Last evaluated: 2025-12-03. Review status: criteria provided, single submitter. Criteria: ACMG Guidelines, 2015. Collection method: clinical testing. Allele origin: germline.
Comment: This variant is classified as likely benign based on ACMG/AMP sequence variant interpretation guidelines (Richards et al. 2015 PMID: 25741868, with internal and published modifications).

Labcorp Genetics (formerly Invitae), Labcorp
Classification: Likely benign. Last evaluated: 2024-05-15. Review status: criteria provided, single submitter. Criteria: Invitae Variant Classification Sherloc (09022015). Collection method: clinical testing. Allele origin: germline.

Eurofins Ntd Llc (ga)
Classification: Uncertain significance. Last evaluated: 2017-11-16. Review status: criteria provided, single submitter. Criteria: EGL Classification Definitions 2015. Collection method: clinical testing. Allele origin: germline. Observed: 1 variant allele, 1 heterozygote.

NM_000392.5(ABCC2):c.1446C>T (p.Thr482=)

Gene: ABCC2 (ATP binding cassette subfamily C member 2; plus strand). Cytogenetic location: 10q24.2.
Variant type: single nucleotide variant.
Coding change: c.1446C>T on transcript NM_000392.5 (MANE Select); coding-DNA position 1446, C replaced by T.
Protein change: p.Thr482=; no amino-acid change (threonine 482 retained).
Molecular consequence: synonymous variant.
Genome position (GRCh38, 1-based): chr10:99,804,255, C>T. VCF-style: chr10-99804255-C-T. GRCh37 (hg19) VCF-style: chr10-101564012-C-T.
Other names: c.1446C>T, p.Thr482= (LRG_1208t1); c.1446C>T (NM_000392.4).
Identifiers: ClinVar variation 595010 (VCV000595010.9), dbSNP rs113646094, ClinGen allele CA5643175.
Genomic context (GRCh38, chr10:99,804,255, plus strand): 5'-AGTCTTAGCAGGTGTTGGGGTGATGGTGCTTGTAATCCCAATTAATGCGATACTGTCCAC[C>T]AAGAGTAAGACCATTCAGGTAAAGAAAAAGTCACCCAGAAGAATATAAGCTTTCTTTAAA-3'
Protein context (NP_000383.2, residues 472-492): LVIPINAILS[Thr482=]KSKTIQVKNM